The following is an entry in ClinVar:

ClinVar aggregate classification (germline): Benign/Likely benign. Review status: criteria provided, multiple submitters, no conflicts (2 of 4 stars). 6 submissions from 6 submitters: Benign (5); Likely benign (1). Last evaluated 2026-02-04.

Conditions:
Immunodeficiency 37 (IMD37). Identifiers: MedGen C4015195, MONDO:0014491, OMIM 616098.

Allele frequency attached by ClinVar (database versions not stated): 1000 Genomes Project 0.22823; 1000 Genomes Project 30x 0.22876; TOPMed 0.26964; gnomAD 0.27563 and 0.27956; ESP Exome Variant Server 0.28679.

Submissions (6):

Labcorp Genetics (formerly Invitae), Labcorp
Classification: Benign for Immunodeficiency 37. Last evaluated: 2026-02-04. Review status: criteria provided, single submitter. Criteria: Invitae Variant Classification Sherloc (09022015). Collection method: clinical testing. Allele origin: germline.

Women's Health and Genetics/Laboratory Corporation of America, LabCorp
Classification: Benign. Last evaluated: 2026-01-21. Review status: criteria provided, single submitter. Criteria: LabCorp Variant Classification Summary - May 2015. Collection method: clinical testing. Allele origin: germline.

Mayo Clinic Laboratories, Mayo Clinic
Classification: Benign. Last evaluated: 2025-08-12. Review status: criteria provided, single submitter. Criteria: ACMG Guidelines, 2015. Collection method: clinical testing. Allele origin: germline. Observed: 4 variant alleles.
Comment: BA1

Blueprint Genetics
Classification: Likely benign. Last evaluated: 2024-11-26. Review status: criteria provided, single submitter. Criteria: ACMG Guidelines, 2015. Collection method: clinical testing. Allele origin: germline.

Laboratory for Molecular Medicine, Mass General Brigham Personalized Medicine
Classification: Benign. Last evaluated: 2016-03-28. Review status: criteria provided, single submitter. Criteria: LMM Criteria. Collection method: clinical testing. Allele origin: germline.
Comment: Variant identified in a genome or exome case(s) and assessed due to predicted null impact of the variant or pathogenic assertions in the literature or databases. Disclaimer: This variant has not undergone full assessment. The following are preliminary notes: Associated with advanced germ cell tumors, unrelated to patient disease

Breakthrough Genomics
Classification: Benign. Review status: criteria provided, single submitter. Criteria: ACMG Guidelines, 2015. Collection method: not provided. Allele origin: germline. Inheritance: Autosomal recessive inheritance. Affected: yes.

NM_003921.5(BCL10):c.24C>G (p.Leu8=)

Genes: BCL10 (BCL10 immune signaling adaptor; minus strand), LOC126805771 (CDK7 strongly-dependent group 2 enhancer GRCh37_chr1:85741508-85742707; plus strand). Cytogenetic location: 1p22.3.
Variant type: single nucleotide variant.
Coding change: c.24C>G on transcript NM_003921.5 (MANE Select); coding-DNA position 24, C replaced by G.
Protein change: p.Leu8=; no amino-acid change (leucine 8 retained).
Molecular consequence: synonymous variant.
Genome position (GRCh38, 1-based): chr1:85,276,329, G>C on the plus strand (C>G on the coding strand, the complement: BCL10 is on the minus strand). VCF-style: chr1-85276329-G-C. GRCh37 (hg19) VCF-style: chr1-85742012-G-C.
Other names: p.Leu8=; c.24C>G, p.Leu8= (NM_001320715.2).
Identifiers: ClinVar variation 402411 (VCV000402411.17), dbSNP rs11576939, ClinGen allele CA929835.